The following is an entry in ClinVar:

NM_000059.4(BRCA2):c.212A>G (p.Tyr71Cys)

Gene: BRCA2 (BRCA2 DNA repair associated; plus strand). Cytogenetic location: 13q13.1.
Variant type: single nucleotide variant.
Coding change: c.212A>G on transcript NM_000059.4 (MANE Select); coding-DNA position 212, A replaced by G.
Protein change: p.Tyr71Cys; replaces tyrosine 71 with cysteine.
Molecular consequence: missense variant.
Genome position (GRCh38, 1-based): chr13:32,319,221, A>G. VCF-style: chr13-32319221-A-G. GRCh37 (hg19) VCF-style: chr13-32893358-A-G.
Other names: c.212A>G, p.Tyr71Cys (NM_001406719.1, NM_001406720.1, NM_001406721.1); c.-158A>G (NM_001406722.1); short protein forms Y71C.
Identifiers: ClinVar variation 2109902 (VCV002109902.4), dbSNP rs2138704885, ClinGen allele CA387754434.
Genomic context (GRCh38, chr13:32,319,221, plus strand): 5'-AACATAAAAACAACAATTACGAACCAAACCTATTTAAAACTCCACAAAGGAAACCATCTT[A>G]TAATCAGCTGGCTTCAACTCCAATAATATTCAAAGAGCAAGGGCTGACTCTGCCGCTGTA-3'
Protein context (NP_000050.3, residues 61-81): LFKTPQRKPS[Tyr71Cys]NQLASTPIIF

ClinVar aggregate classification (germline): Uncertain significance (1 of 4 stars; one submission).

Conditions:
Hereditary breast ovarian cancer syndrome. Also called: Hereditary breast and ovarian cancer syndrome; BRCA1- and BRCA2-Associated Hereditary Breast and Ovarian Cancer; Hereditary breast and ovarian cancer; Hereditary breast and/or ovarian cancer syndrome; Hereditary breast and ovarian cancer syndrome (HBOC); Breast and ovarian cancer. Identifiers: Orphanet 145, MedGen C0677776, MeSH D061325, MONDO:0003582. Disease mechanism: loss of function.

Submission:

Labcorp Genetics (formerly Invitae), Labcorp
Classification: Uncertain significance for Hereditary breast ovarian cancer syndrome. Last evaluated: 2022-03-12. Review status: criteria provided, single submitter. Criteria: Invitae Variant Classification Sherloc (09022015). Collection method: clinical testing. Allele origin: germline.
Comment: This variant is not present in population databases (gnomAD no frequency). This sequence change replaces tyrosine, which is neutral and polar, with cysteine, which is neutral and slightly polar, at codon 71 of the BRCA2 protein (p.Tyr71Cys). In summary, the available evidence is currently insufficient to determine the role of this variant in disease. Therefore, it has been classified as a Variant of Uncertain Significance. Advanced modeling of protein sequence and biophysical properties (such as structural, functional, and spatial information, amino acid conservation, physicochemical variation, residue mobility, and thermodynamic stability) performed at Invitae indicates that this missense variant is not expected to disrupt BRCA2 protein function. This variant has not been reported in the literature in individuals affected with BRCA2-related conditions.